The following is an entry in ClinVar:

ClinVar aggregate classification (germline): Pathogenic/Likely pathogenic. Review status: criteria provided, multiple submitters, no conflicts (2 of 4 stars). 4 submissions from 4 submitters: Pathogenic (3); Likely pathogenic (1). Last evaluated 2022-08-22.

Conditions:
Pitt-Hopkins syndrome (PTHS). Also called: ENCEPHALOPATHY, SEVERE EPILEPTIC, WITH AUTONOMIC DYSFUNCTION; MENTAL RETARDATION, SYNDROMAL, WITH INTERMITTENT HYPERVENTILATION. Identifiers: Orphanet 2896, MedGen C1970431, MONDO:0012589, OMIM 610954.

Submissions (4):

Daryl Scott Lab, Baylor College of Medicine
Classification: Pathogenic for Pitt-Hopkins syndrome. Last evaluated: 2022-08-22. Review status: criteria provided, single submitter. Criteria: ACMG Guidelines, 2015. Collection method: clinical testing. Allele origin: de novo. Affected: yes. Observed: 1 variant allele, 1 heterozygote.

Labcorp Genetics (formerly Invitae), Labcorp
Classification: Likely pathogenic for Pitt-Hopkins syndrome. Last evaluated: 2022-07-15. Review status: criteria provided, single submitter. Criteria: Invitae Variant Classification Sherloc (09022015). Collection method: clinical testing. Allele origin: germline.
Comment: In summary, the currently available evidence indicates that the variant is pathogenic, but additional data are needed to prove that conclusively. Therefore, this variant has been classified as Likely Pathogenic. Algorithms developed to predict the effect of sequence changes on RNA splicing suggest that this variant may disrupt the consensus splice site. ClinVar contains an entry for this variant (Variation ID: 978039). This variant has not been reported in the literature in individuals affected with TCF4-related conditions. This variant is not present in population databases (gnomAD no frequency). This sequence change affects a donor splice site in intron 16 of the TCF4 gene. It is expected to disrupt RNA splicing. Variants that disrupt the donor or acceptor splice site typically lead to a loss of protein function (PMID: 16199547), and loss-of-function variants in TCF4 are known to be pathogenic (PMID: 18728071, 22045651).

Undiagnosed Diseases Network, NIH
Classification: Pathogenic for Pitt-Hopkins syndrome. Last evaluated: 2020-07-14. Review status: criteria provided, single submitter. Criteria: ACMG Guidelines, 2015. Collection method: clinical testing. Allele origin: de novo. Inheritance: Autosomal dominant inheritance. Affected: yes. Observed: 1 variant allele, 1 heterozygote. Study: Undiagnosed Diseases Network (NIH), UDN.
Comment: This variant has not been previously reported in an affected individual and is absent in the general population (gnomAD database). It is predicted to disrupt the canonical splice site of TCF4 and cause premature termination of the protein product and subject to nonsense mediated decay.

Baylor Genetics
Classification: Pathogenic for Pitt-Hopkins syndrome. Last evaluated: 2019-04-09. Review status: criteria provided, single submitter. Criteria: ACMG Guidelines, 2015. Collection method: clinical testing. Allele origin: de novo. Affected: yes.
Comment: This variant was determined to be pathogenic according to ACMG Guidelines, 2015 [PMID:25741868].

Literature cited by the submitters: PubMed 36135330 (cited by Daryl Scott Lab, Baylor College of Medicine); PubMed 16199547 (cited by Labcorp Genetics (formerly Invitae), Labcorp); PubMed 18728071 (cited by Labcorp Genetics (formerly Invitae), Labcorp); PubMed 22045651 (cited by Labcorp Genetics (formerly Invitae), Labcorp).

NM_001083962.2(TCF4):c.1486+1G>T

Gene: TCF4 (transcription factor 4; minus strand). Cytogenetic location: 18q21.2.
Variant type: single nucleotide variant.
Coding change: c.1486+1G>T on transcript NM_001083962.2 (MANE Select); the canonical splice donor site of the intron after coding-DNA position 1486, G replaced by T.
Molecular consequence: splice donor variant.
Genome position (GRCh38, 1-based): chr18:55,234,547, C>A on the plus strand (G>T on the coding strand, the complement: TCF4 is on the minus strand). VCF-style: chr18-55234547-C-A. GRCh37 (hg19) VCF-style: chr18-52901778-C-A.
Other names: c.1792+1G>T (NM_001243226.3); c.1411+1G>T (NM_001369584.1, NM_001369576.1, NM_001369577.1 and 6 more transcripts); c.1414+1G>T (NM_001369582.1, NM_001243227.2, NM_001369583.1 and 5 more transcripts); c.1417+1G>T (NM_001369586.1); c.1486+1G>T (NM_001369571.1, NM_001369567.1, NM_001369572.1 and 2 more transcripts); c.1504+1G>T (NM_001243228.2); c.1477+1G>T (NM_001243230.2); c.1483+1G>T (NM_001369569.1, NM_001369573.1, NM_001369570.1 and 2 more transcripts); and 6 more.
Identifiers: ClinVar variation 978039 (VCV000978039.10), dbSNP rs2048816852, ClinGen allele CA402531396.
Genomic context (GRCh38, chr18:55,234,547, plus strand): 5'-GTATCAACACTGGTCCTATTGTGAAAGTGAGGTCAGAAGTGCCCTGGTGAGGCCAACCTA[C>A]CTCTGTAAGGGTCCTGGGGTGGGTTCAGGTCAGGGGAAGTCGCAGACTGGACAGGAAGCT-3'